The following is an entry in ClinVar:

NM_023110.3(FGFR1):c.1142G>A (p.Cys381Tyr)

Gene: FGFR1 (fibroblast growth factor receptor 1; minus strand). Cytogenetic location: 8p11.23.
Variant type: single nucleotide variant.
Coding change: c.1142G>A on transcript NM_023110.3 (MANE Select); coding-DNA position 1142, G replaced by A.
Protein change: p.Cys381Tyr; replaces cysteine 381 with tyrosine.
Molecular consequence: missense variant.
Genome position (GRCh38, 1-based): chr8:38,419,675, C>T on the plus strand (G>A on the coding strand, the complement: FGFR1 is on the minus strand). VCF-style: chr8-38419675-C-T. GRCh37 (hg19) VCF-style: chr8-38277193-C-T.
Other names: c.1142G>A, p.Cys381Tyr (NM_001174063.2); c.1118G>A, p.Cys373Tyr (NM_001174064.2); c.1136G>A, p.Cys379Tyr (NM_001174065.2, NM_001354367.2, NM_001354369.2 and 2 more transcripts); c.875G>A, p.Cys292Tyr (NM_001174066.2, NM_023105.3); c.1235G>A, p.Cys412Tyr (NM_001174067.2); c.869G>A, p.Cys290Tyr (NM_001354368.2, NM_001354370.2, NM_023106.3); short protein forms C290Y, C373Y, C381Y, C412Y, C292Y, C379Y.
Identifiers: ClinVar variation 5001363 (VCV005001363.1).
Genomic context (GRCh38, chr8:38,419,675, plus strand): 5'-CTCTTCATCTTGTAGACGATGACCGACCCCACCATGCAGGAGATGAGGAAGGCCCCTGTG[C>T]AATAGATGATGATCTCCAGGTACAGGGGCGAGGTCATCACTGCCGGCCTCTCTTCCAGGG-3'
Protein context (NP_075598.2, residues 371-391): SPLYLEIIIY[Cys381Tyr]TGAFLISCMV

ClinVar aggregate classification (germline): Uncertain significance (1 of 4 stars; one submission).

Conditions:
FGFR1-related disorder. Also called: FGFR1-related disorders; FGFR1-related condition. Identifiers: MedGen CN380097.

Submission:

PreventionGenetics, part of Exact Sciences
Classification: Uncertain significance for FGFR1-related condition. Last evaluated: 2026-09-10. Review status: criteria provided, single submitter. Criteria: ACMG Guidelines, 2015. Collection method: clinical testing. Allele origin: germline.
Comment: The FGFR1 c.1142G>A variant is predicted to result in the amino acid substitution p.Cys381Tyr. To our knowledge, this variant has not been reported in the literature or in a large population database (gnomAD), indicating this variant is rare. At this time, the clinical significance of this variant is uncertain due to the absence of conclusive functional and genetic evidence.